The following is an entry in ClinVar:

NM_144997.7(FLCN):c.792G>A (p.Ala264=)

Gene: FLCN (folliculin; minus strand). Cytogenetic location: 17p11.2.
Variant type: single nucleotide variant.
Coding change: c.792G>A on transcript NM_144997.7 (MANE Select); coding-DNA position 792, G replaced by A.
Protein change: p.Ala264=; no amino-acid change (alanine 264 retained).
Molecular consequence: synonymous variant.
Genome position (GRCh38, 1-based): chr17:17,221,616, C>T on the plus strand (G>A on the coding strand, the complement: FLCN is on the minus strand). VCF-style: chr17-17221616-C-T. GRCh37 (hg19) VCF-style: chr17-17124930-C-T.
Other names: c.792G>A (LRG_325t1, NM_144997.6); c.846G>A, p.Ala282= (NM_001353229.2); c.792G>A, p.Ala264= (NM_001353230.2, NM_001353231.2, NM_144606.7).
Identifiers: ClinVar variation 415618 (VCV000415618.25), dbSNP rs140500421, ClinGen allele CA8416290.

ClinVar aggregate classification (germline): Benign/Likely benign. Review status: criteria provided, multiple submitters, no conflicts (2 of 4 stars). 6 submissions from 6 submitters: Benign (2); Likely benign (4). Last evaluated 2026-01-21.

Conditions:
Hereditary cancer-predisposing syndrome. Also called: Tumor predisposition; Neoplastic Syndromes, Hereditary; Hereditary Cancer Syndrome; Hereditary neoplastic syndrome. Identifiers: Orphanet 140162, MedGen C0027672, MeSH D009386, MONDO:0015356.
Birt-Hogg-Dube syndrome 1 (BHD1). Also called: FIBROFOLLICULOMAS WITH TRICHODISCOMAS AND ACROCHORDONS. Identifiers: Orphanet 122, MedGen CN375946, MONDO:0800445, OMIM 135150.
Familial spontaneous pneumothorax (PSP). Identifiers: Orphanet 2903, MedGen C1868193, MONDO:0008259, OMIM 173600.
Colorectal cancer. Also called: Malignant Colorectal Neoplasm; Colorectal cancer, somatic. Identifiers: MedGen C0346629, MONDO:0005575, OMIM 114500.
Birt-Hogg-Dube syndrome. Also called: Birt Hogg Dubé syndrome. Identifiers: Orphanet 122, MedGen C0346010, MONDO:0800444.
Nonpapillary renal cell carcinoma. Identifiers: Orphanet 422526, MedGen CN074294, MONDO:0007763, OMIM 144700.
17p11.2 microduplication syndrome (PTLS). Also called: CHROMOSOME 17p11.2 DUPLICATION SYNDROME; Potocki-Lupski syndrome; Duplication 17p11.2 syndrome; Potocki-Lupski syndrome (dup(17)(p11.2p11.2)). Identifiers: Orphanet 1713, MedGen C2931246, MONDO:0012574, OMIM 610883.

Allele frequency attached by ClinVar (database versions not stated): ExAC 0.00003; gnomAD exomes 0.00004; gnomAD 0.00007 and 0.00008; TOPMed 0.00007; ESP Exome Variant Server 0.00008.
gnomAD v4.1: 33 of 1,608,422 alleles (0.0021%); highest among the groups gnomAD compares: Admixed American, 0.032%; no homozygotes.

Submissions (6):

Labcorp Genetics (formerly Invitae), Labcorp
Classification: Likely benign for Birt-Hogg-Dube syndrome. Last evaluated: 2026-01-21. Review status: criteria provided, single submitter. Criteria: Invitae Variant Classification Sherloc (09022015). Collection method: clinical testing. Allele origin: germline.

Myriad Genetics, Inc.
Classification: Benign for Birt-Hogg-Dube syndrome 1. Last evaluated: 2024-10-23. Review status: criteria provided, single submitter. Criteria: Myriad Autosomal Dominant, Autosomal Recessive and X-Linked Classification Criteria (2023). Collection method: clinical testing. Allele origin: unknown.
Comment: This variant is considered benign. This variant is a silent/synonymous amino acid change and it is not expected to impact splicing.

Quest Diagnostics Nichols Institute San Juan Capistrano
Classification: Benign. Last evaluated: 2023-03-31. Review status: criteria provided, single submitter. Criteria: Quest Diagnostics criteria. Collection method: clinical testing. Allele origin: unknown.

Fulgent Genetics
Classification: Likely benign for Colorectal cancer; Birt-Hogg-Dube syndrome 1; Nonpapillary renal cell carcinoma; Familial spontaneous pneumothorax; 17p11.2 microduplication syndrome. Last evaluated: 2022-04-15. Review status: criteria provided, single submitter. Criteria: ACMG Guidelines, 2015. Collection method: clinical testing. Allele origin: unknown.

Sema4
Classification: Likely benign for Hereditary cancer-predisposing syndrome. Last evaluated: 2021-05-17. Review status: criteria provided, single submitter. Criteria: Sema4 Curation Guidelines. Collection method: curation. Allele origin: germline.

Ambry Genetics
Classification: Likely benign for Hereditary cancer-predisposing syndrome. Last evaluated: 2018-09-17. Review status: criteria provided, single submitter. Criteria: Ambry Variant Classification Scheme 2023. Collection method: clinical testing. Allele origin: germline.